The following is an entry in ClinVar:

ClinVar aggregate classification (germline): Pathogenic (1 of 4 stars; one submission).

Conditions:
Autism spectrum disorder. Also called: Autism spectrum disorders. Identifiers: MedGen C1510586, MeSH D000067877, MONDO:0005258.

Submission:

GeneDx
Classification: Pathogenic. Last evaluated: 2016-08-05. Review status: criteria provided, single submitter. Criteria: GeneDx Variant Classification (06012015). Collection method: clinical testing. Allele origin: germline. Affected: yes.
Comment: The c.2345delA pathogenic variant in the CHD8 gene causes a frameshift starting with codon Histidine 782, changes this amino acid to a Proline residue and creates a premature Stop codon at position 7 of the new reading frame, denoted p.H782PfsX7. This variant is predicted to cause loss of normal protein function either through protein truncation or nonsense-mediated mRNA decay. It was not observed in approximately 5,900 individuals of European and African American ancestry in the NHLBI Exome Sequencing Project, indicating it is not a common benign variant in these populations.

NM_001170629.2(CHD8):c.2345del (p.His782fs)

Gene: CHD8 (chromodomain helicase DNA binding protein 8; minus strand). Cytogenetic location: 14q11.2.
Variant type: Deletion.
Coding change: c.2345del on transcript NM_001170629.2 (MANE Select); coding-DNA position 2345, one base deleted (A; older notation c.2345delA).
Protein change: p.His782fs; shifts the reading frame from histidine 782.
Molecular consequence: frameshift variant.
Genome position (GRCh38, 1-based): chr14:21,409,870, T deleted on the plus strand (A on the coding strand, the reverse complement: CHD8 is on the minus strand). VCF-style (leftmost placement, unchanged base first): chr14-21409869-GT-G. GRCh37 (hg19) VCF-style: chr14-21878028-GT-G.
Other names: c.2345delA (NM_001170629.1); c.1508del, p.His503fs (NM_020920.4); short protein forms H503fs, H782fs.
Identifiers: ClinVar variation 265642 (VCV000265642.4), dbSNP rs886039692, ClinGen allele CA10588571.